The following is an entry in ClinVar:

NM_002282.3(KRT83):c.1042-4C>A

Gene: KRT83 (keratin 83; minus strand). Cytogenetic location: 12q13.13.
Variant type: single nucleotide variant.
Coding change: c.1042-4C>A on transcript NM_002282.3 (MANE Select); 4 bases into the intron before coding-DNA position 1042, C replaced by A.
Molecular consequence: intron variant.
Genome position (GRCh38, 1-based): chr12:52,316,117, G>T on the plus strand (C>A on the coding strand, the complement: KRT83 is on the minus strand). VCF-style: chr12-52316117-G-T. GRCh37 (hg19) VCF-style: chr12-52709901-G-T.
Identifiers: ClinVar variation 309505 (VCV000309505.10), dbSNP rs200402665, ClinGen allele CA6577406.

ClinVar aggregate classification (germline): Benign. Review status: criteria provided, multiple submitters, no conflicts (2 of 4 stars). 3 submissions from 3 submitters: Benign (3). Last evaluated 2026-01-11.

Conditions:
Monilethrix. Also called: Beaded hair. Identifiers: Orphanet 573, MedGen C0546966, MONDO:0008009, HP:0032470.

Allele frequency attached by ClinVar (database versions not stated): 1000 Genomes Project 0.00140; 1000 Genomes Project 30x 0.00156; gnomAD 0.00233 and 0.00242; ExAC 0.00236; gnomAD exomes 0.00263 and 0.00312; ESP Exome Variant Server 0.00269; TOPMed 0.00282.
gnomAD v4.1: 4,951 of 1,613,668 alleles (0.31%); highest among the groups gnomAD compares: Admixed American, 0.47%; 16 homozygotes.

Submissions (3):

Labcorp Genetics (formerly Invitae), Labcorp
Classification: Benign. Last evaluated: 2026-01-11. Review status: criteria provided, single submitter. Criteria: Invitae Variant Classification Sherloc (09022015). Collection method: clinical testing. Allele origin: germline.

Illumina Laboratory Services, Illumina
Classification: Benign for Monilethrix-1. Last evaluated: 2018-01-13. Review status: criteria provided, single submitter. Criteria: ICSL Variant Classification Criteria 13 December 2019. Collection method: clinical testing. Allele origin: germline.
Comment: This variant was observed in the ICSL laboratory as part of a predisposition screen in an ostensibly healthy population. It had not been previously curated by ICSL or reported in the Human Gene Mutation Database (HGMD: prior to June 1st, 2018), and was therefore a candidate for classification through an automated scoring system. Utilizing variant allele frequency, disease prevalence and penetrance estimates, and inheritance mode, an automated score was calculated to assess if this variant is too frequent to cause the disease. Based on the score and internal cut-off values, a variant classified as benign is not then subjected to further curation. The score for this variant resulted in a classification of benign for this disease.

Breakthrough Genomics
Classification: Benign. Review status: criteria provided, single submitter. Criteria: ACMG Guidelines, 2015. Collection method: not provided. Allele origin: germline. Inheritance: Autosomal recessive inheritance. Affected: yes.